The following is an entry in ClinVar:

ClinVar aggregate classification (germline): Conflicting classifications of pathogenicity. Review status: criteria provided, conflicting classifications (1 of 4 stars). 11 submissions from 10 submitters: Uncertain significance (1); Benign (2); Likely benign (8). Last evaluated 2026-02-04.

Conditions:
Inborn genetic diseases. Identifiers: MedGen C0950123, MeSH D030342.
Charcot-Marie-Tooth disease. Also called: Charcot-Marie-Tooth Hereditary Neuropathy; Charcot-Marie-Tooth Neuropathy. Identifiers: Orphanet 166, MedGen C0007959, MONDO:0015626.
Charcot-Marie-Tooth disease type 4. Also called: Charcot-Marie-Tooth disease, type IV; Charcot-Marie-Tooth, Type 4. Identifiers: Orphanet 64749, MedGen C4082197, MONDO:0018995.
Charcot-Marie-Tooth disease type 4C (CMT4C). Also called: SH3TC2-Related Hereditary Motor and Sensory Neuropathy; CMT 4C; Charcot-Marie-Tooth Neuropathy Type 4C (CMT4C); CHARCOT-MARIE-TOOTH DISEASE, DEMYELINATING, TYPE 4C; CHARCOT-MARIE-TOOTH DISEASE, DEMYELINATING, AUTOSOMAL RECESSIVE, TYPE 4C. Identifiers: Orphanet 99949, MedGen C1866636, MONDO:0011113, OMIM 601596.
Susceptibility to mononeuropathy of the median nerve, mild. Also called: CARPAL TUNNEL SYNDROME, SUSCEPTIBILITY TO. Identifiers: MedGen C3150596, MONDO:0013237, OMIM 613353.

Allele frequency attached by ClinVar (database versions not stated): TOPMed 0.00179; ESP Exome Variant Server 0.00192; gnomAD exomes 0.00254 and 0.00109; 1000 Genomes Project 30x 0.00031; 1000 Genomes Project 0.00040; ExAC 0.00110; gnomAD 0.00155 and 0.00166.
gnomAD v4.1: 3,949 of 1,614,022 alleles (0.24%); highest among the groups gnomAD compares: Non-Finnish European, 0.3%; 9 homozygotes.

Submissions (11):

Labcorp Genetics (formerly Invitae), Labcorp
Classification: Likely benign for Charcot-Marie-Tooth disease type 4. Last evaluated: 2026-02-04. Review status: criteria provided, single submitter. Criteria: Invitae Variant Classification Sherloc (09022015). Collection method: clinical testing. Allele origin: germline.

Women's Health and Genetics/Laboratory Corporation of America, LabCorp
Classification: Likely benign. Last evaluated: 2024-12-02. Review status: criteria provided, single submitter. Criteria: LabCorp Variant Classification Summary - May 2015. Collection method: clinical testing. Allele origin: germline.

CeGaT Center for Human Genetics Tuebingen
Classification: Likely benign. Last evaluated: 2024-12-01. Review status: criteria provided, single submitter. Criteria: CeGaT Center For Human Genetics Tuebingen Variant Classification Criteria Version 2. Collection method: clinical testing. Allele origin: germline. Affected: yes. Observed: 6 variant alleles.
Comment: SH3TC2: BP4, BP7

Blueprint Genetics
Classification: Likely benign. Last evaluated: 2024-11-21. Review status: criteria provided, single submitter. Criteria: ACMG Guidelines, 2015. Collection method: clinical testing. Allele origin: germline.

Mayo Clinic Laboratories, Mayo Clinic
Classification: Benign. Last evaluated: 2024-03-22. Review status: criteria provided, single submitter. Criteria: ACMG Guidelines, 2015. Collection method: clinical testing. Allele origin: germline. Observed: 8 variant alleles.
Comment: BS1, BS2, BP4, BP7

Athena Diagnostics
Classification: Benign. Last evaluated: 2021-03-30. Review status: criteria provided, single submitter. Criteria: Athena Diagnostics criteria. Collection method: clinical testing. Allele origin: unknown.

GeneDx
Classification: Likely benign. Last evaluated: 2020-12-29. Review status: criteria provided, single submitter. Criteria: GeneDx Variant Classification Process June 2021. Collection method: clinical testing. Allele origin: germline. Affected: yes.

Ambry Genetics
Classification: Likely benign for Inborn genetic diseases. Last evaluated: 2019-07-11. Review status: criteria provided, single submitter. Criteria: Ambry Variant Classification Scheme 2023. Collection method: clinical testing. Allele origin: germline.

Illumina Laboratory Services, Illumina
Classification: Uncertain significance for Charcot-Marie-Tooth disease type 4C. Last evaluated: 2018-01-13. Review status: criteria provided, single submitter. Criteria: ICSL Variant Classification Criteria 13 December 2019. Collection method: clinical testing. Allele origin: germline.

Illumina Laboratory Services, Illumina
Classification: Likely benign for Susceptibility to mononeuropathy of the median nerve, mild. Last evaluated: 2018-01-13. Review status: criteria provided, single submitter. Criteria: ICSL Variant Classification Criteria 13 December 2019. Collection method: clinical testing. Allele origin: germline.
Comment: This variant was observed in the ICSL laboratory as part of a predisposition screen in an ostensibly healthy population. It had not been previously curated by ICSL or reported in the Human Gene Mutation Database (HGMD: prior to June 1st, 2018), and was therefore a candidate for classification through an automated scoring system. Utilizing variant allele frequency, disease prevalence and penetrance estimates, and inheritance mode, an automated score was calculated to assess if this variant is too frequent to cause the disease. Based on the score and internal cut-off values, a variant classified as likely benign is not then subjected to further curation. The score for this variant resulted in a classification of likely benign for this disease.

Molecular Genetics Laboratory, London Health Sciences Centre
Classification: Likely benign for Charcot-Marie-Tooth disease. Review status: criteria provided, single submitter. Criteria: ACMG Guidelines, 2015. Collection method: clinical testing. Allele origin: germline. Affected: yes.

NM_024577.4(SH3TC2):c.3813C>T (p.Ser1271=)

Gene: SH3TC2 (SH3 domain and tetratricopeptide repeats 2; minus strand). Cytogenetic location: 5q32.
Variant type: single nucleotide variant.
Coding change: c.3813C>T on transcript NM_024577.4 (MANE Select); coding-DNA position 3813, C replaced by T.
Protein change: p.Ser1271=; no amino-acid change (serine 1271 retained).
Molecular consequence: synonymous variant.
Genome position (GRCh38, 1-based): chr5:149,004,765, G>A on the plus strand (C>T on the coding strand, the complement: SH3TC2 is on the minus strand). VCF-style: chr5-149004765-G-A. GRCh37 (hg19) VCF-style: chr5-148384328-G-A.
Other names: p.Ser1271=.
Identifiers: ClinVar variation 219968 (VCV000219968.48), dbSNP rs140985600, ClinGen allele CA350004.
Genomic context (GRCh38, chr5:149,004,765, plus strand): 5'-CTTTCCTCAGAGGGCCAGGCCACCACCACTCAGCCACCGCGCCCTCTCTGAGGAGCACCC[G>A]GAGGGCCTGCTGTGCCACAGGGGGCTCTGGCAGATGTTGTCCAGCCTGCTCCTAATGGTG-3'
Protein context (NP_078853.2, residues 1261-1281): CQSPLWHSRP[Ser1271=]GCSSERARWL